The following is an entry in ClinVar:

ClinVar aggregate classification (germline): Pathogenic (1 of 4 stars; one submission).

Conditions:
Propionic acidemia (PROP). Also called: GLYCINEMIA, KETOTIC; HYPERGLYCINEMIA WITH KETOACIDOSIS AND LEUKOPENIA; KETOTIC HYPERGLYCINEMIA. Identifiers: Orphanet 35, MedGen C0268579, MONDO:0011628, OMIM 606054, HP:0003571.

Submission:

Laboratory of Inherited Metabolic Diseases, Research centre for medical genetics
Classification: Pathogenic for Propionic acidemia. Last evaluated: 2021-02-17. Review status: criteria provided, single submitter. Criteria: ACMG Guidelines, 2015. Collection method: research, in vitro. Allele origin: germline, not applicable. Affected: yes.
Comment: PS3, PM2, PM3, PP3, PP4

NM_000282.4(PCCA):c.1187T>G (p.Val396Gly)

Gene: PCCA (propionyl-CoA carboxylase subunit alpha; plus strand). Cytogenetic location: 13q32.3.
Variant type: single nucleotide variant.
Coding change: c.1187T>G on transcript NM_000282.4 (MANE Select); coding-DNA position 1187, T replaced by G.
Protein change: p.Val396Gly; replaces valine 396 with glycine.
Molecular consequence: missense variant. On other transcripts: non-coding transcript variant (5), intron variant (3).
Genome position (GRCh38, 1-based): chr13:100,301,581, T>G. VCF-style: chr13-100301581-T-G. GRCh37 (hg19) VCF-style: chr13-100953835-T-G.
Other names: c.1109T>G, p.Val370Gly (NM_001127692.3, NM_001352607.2); c.1187T>G, p.Val396Gly (NM_001178004.2, NM_001352605.2, NM_001352609.2); c.242T>G, p.Val81Gly (NM_001352610.2, NM_001352611.2); c.1066-1343T>G (NM_001352606.2); c.121-1343T>G (NM_001352612.2); c.988-1343T>G (NM_001352608.2); short protein forms V370G, V396G, V81G.
Identifiers: ClinVar variation 997845 (VCV000997845.1), dbSNP rs1555411216, ClinGen allele CA388695354.
Genomic context (GRCh38, chr13:100,301,581, plus strand): 5'-TTGCTAAGGGCTACCCTCTCAGGCACAAACAAGCTGATATTCGCATCAACGGCTGGGCAG[T>G]TGAATGTCGGGTTTATGCTGAGGTAAAATGAATGGTGTTGGGAGGAAGGATGGTGGTTAT-3'
Protein context (NP_000273.2, residues 386-406): QADIRINGWA[Val396Gly]ECRVYAEDPY